The following is an entry in ClinVar:

NM_001267550.2(TTN):c.12614del (p.Leu4205fs)

Gene: TTN (titin; minus strand). Cytogenetic location: 2q31.2.
Variant type: Deletion.
Coding change: c.12614del on transcript NM_001267550.2 (MANE Select); coding-DNA position 12614, one base deleted (T; older notation c.12614delT).
Protein change: p.Leu4205fs; shifts the reading frame from leucine 4205.
Molecular consequence: frameshift variant. On other transcripts: intron variant (1).
Genome position (GRCh38, 1-based): chr2:178,740,619, A deleted on the plus strand (T on the coding strand, the reverse complement: TTN is on the minus strand); the first of 3 consecutive A bases (chr2:178,740,619-178,740,621); deleting any one gives the same sequence. VCF-style (leftmost placement, unchanged base first): chr2-178740618-TA-T. GRCh37 (hg19) VCF-style: chr2-179605345-TA-T.
Other names: c.11663del, p.Leu3888fs (NM_001256850.1); c.11525del, p.Leu3842fs (NM_003319.4); c.11900del, p.Leu3967fs (NM_133432.3); c.12101del, p.Leu4034fs (NM_133437.4); c.10361-2259del (NM_133378.4); short protein forms L3888fs, L3967fs, L3842fs, L4034fs, L4205fs.
Identifiers: ClinVar variation 4784625 (VCV004784625.1).

ClinVar aggregate classification (germline): Likely pathogenic (1 of 4 stars; one submission).

Conditions:
Dilated cardiomyopathy 1G (CMD1G). Identifiers: Orphanet 154, MedGen C1858763, MONDO:0011400, OMIM 604145.
Autosomal recessive limb-girdle muscular dystrophy type 2J (LGMDR10). Also called: Limb-girdle muscular dystrophy, type 2J; MUSCULAR DYSTROPHY, LIMB-GIRDLE, AUTOSOMAL RECESSIVE 10. Identifiers: Orphanet 140922, MedGen C1837342, MONDO:0012127, OMIM 608807.

Submission:

Labcorp Genetics (formerly Invitae), Labcorp
Classification: Likely pathogenic for Dilated cardiomyopathy 1G; Autosomal recessive limb-girdle muscular dystrophy type 2J. Last evaluated: 2025-04-06. Review status: criteria provided, single submitter. Criteria: Invitae Variant Classification Sherloc (09022015). Collection method: clinical testing. Allele origin: germline.
Comment: This sequence change creates a premature translational stop signal (p.Leu4205Tyrfs*2) in the TTN gene. While this is not anticipated to result in nonsense mediated decay, it is expected to create a truncated TTN protein. This variant is not present in population databases (gnomAD no frequency). This variant has not been reported in the literature in individuals affected with TTN-related conditions. This variant is located in the I band of TTN (PMID: 25589632). Truncating variants in this region have been reported in individuals affected with autosomal recessive centronuclear myopathy (PMID: 23975875, internal data). Truncating variants in this region have also been identified in individuals affected with autosomal dominant dilated cardiomyopathy and/or cardio-related conditions (PMID: 27869827, 32964742, internal data). In summary, the currently available evidence indicates that the variant is pathogenic, but additional data are needed to prove that conclusively. Therefore, this variant has been classified as Likely Pathogenic.

Literature cited by the submitters: PubMed 25589632; PubMed 23975875; PubMed 27869827; PubMed 32964742.